The following is an entry in ClinVar:

NM_006517.5(SLC16A2):c.572C>G (p.Thr191Ser)

Gene: SLC16A2 (solute carrier family 16 member 2; plus strand). Cytogenetic location: Xq13.2.
Variant type: single nucleotide variant.
Coding change: c.572C>G on transcript NM_006517.5 (MANE Select); coding-DNA position 572, C replaced by G.
Protein change: p.Thr191Ser; replaces threonine 191 with serine.
Molecular consequence: missense variant.
Genome position (GRCh38, 1-based): chrX:74,521,131, C>G. VCF-style: chrX-74521131-C-G. GRCh37 (hg19) VCF-style: chrX-73740966-C-G.
Other names: c.794C>G (NM_006517.3); short protein forms T191S.
Identifiers: ClinVar variation 1525349 (VCV001525349.9), dbSNP rs375483786, ClinGen allele CA10454421.
Genomic context (GRCh38, chrX:74,521,131, plus strand): 5'-GAATCACAGCAACCGCGGGGGCTGCCGTTGCTTTCATTGGCCTCCATACCAGCTCCTTCA[C>G]CAGGTAAGGCTAAGAGTTGGTGGTTATTTCCCCAAGGCTGAGGGTTGGTTTTTTTCTGGG-3'
Protein context (NP_006508.2, residues 181-201): AFIGLHTSSF[Thr191Ser]SSLSLRYFTY

ClinVar aggregate classification (germline): Conflicting classifications of pathogenicity. Review status: criteria provided, conflicting classifications (1 of 4 stars). 2 submissions from 2 submitters: Uncertain significance (1); Likely benign (1). Last evaluated 2025-06-24.

Conditions:
Inborn genetic diseases. Identifiers: MedGen C0950123, MeSH D030342.
Spastic paraplegia. Identifiers: MedGen C0037772, HP:0001258.

Allele frequency attached by ClinVar (database versions not stated): gnomAD 0.00003 and 0.00004; gnomAD exomes 0.00003; ExAC 0.00005; TOPMed 0.00005; ESP Exome Variant Server 0.00009.
gnomAD v4.1: 11 of 1,210,139 alleles (0.00091%); highest among the groups gnomAD compares: Admixed American, 0.013%; no homozygotes.

Submissions (2):

Labcorp Genetics (formerly Invitae), Labcorp
Classification: Uncertain significance for Spastic paraplegia. Last evaluated: 2025-06-24. Review status: criteria provided, single submitter. Criteria: Invitae Variant Classification Sherloc (09022015). Collection method: clinical testing. Allele origin: germline.
Comment: This sequence change replaces threonine, which is neutral and polar, with serine, which is neutral and polar, at codon 191 of the SLC16A2 protein (p.Thr191Ser). This variant is present in population databases (rs375483786, gnomAD 0.01%). This variant has not been reported in the literature in individuals affected with SLC16A2-related conditions. ClinVar contains an entry for this variant (Variation ID: 1525349). Invitae Evidence Modeling of protein sequence and biophysical properties (such as structural, functional, and spatial information, amino acid conservation, physicochemical variation, residue mobility, and thermodynamic stability) has been performed for this missense variant. However, the output from this modeling did not meet the statistical confidence thresholds required to predict the impact of this variant on SLC16A2 protein function. In summary, the available evidence is currently insufficient to determine the role of this variant in disease. Therefore, it has been classified as a Variant of Uncertain Significance.

Ambry Genetics
Classification: Likely benign for Inborn genetic diseases. Last evaluated: 2023-12-19. Review status: criteria provided, single submitter. Criteria: Ambry Variant Classification Scheme 2023. Collection method: clinical testing. Allele origin: germline.